The following is an entry in ClinVar:

NM_007374.3(SIX6):c.410A>C (p.Glu137Ala)

Genes: C14orf39 (chromosome 14 open reading frame 39; minus strand), SIX6 (SIX homeobox 6; plus strand). Cytogenetic location: 14q23.1.
Variant type: single nucleotide variant.
Coding change: c.410A>C on transcript NM_007374.3 (MANE Select); coding-DNA position 410, A replaced by C.
Protein change: p.Glu137Ala; replaces glutamic acid 137 with alanine.
Molecular consequence: missense variant.
Genome position (GRCh38, 1-based): chr14:60,509,808, A>C. VCF-style: chr14-60509808-A-C. GRCh37 (hg19) VCF-style: chr14-60976526-A-C.
Other names: short protein forms E137A.
Identifiers: ClinVar variation 1474246 (VCV001474246.6), dbSNP rs2140188072, ClinGen allele CA390087104.

ClinVar aggregate classification (germline): Uncertain significance (1 of 4 stars; one submission).

Submission:

Labcorp Genetics (formerly Invitae), Labcorp
Classification: Uncertain significance. Last evaluated: 2021-10-16. Review status: criteria provided, single submitter. Criteria: Invitae Variant Classification Sherloc (09022015). Collection method: clinical testing. Allele origin: germline.
Comment: This variant is not present in population databases (ExAC no frequency). This sequence change replaces glutamic acid with alanine at codon 137 of the SIX6 protein (p.Glu137Ala). The glutamic acid residue is highly conserved and there is a moderate physicochemical difference between glutamic acid and alanine. This variant has not been reported in the literature in individuals affected with SIX6-related conditions. Algorithms developed to predict the effect of missense changes on protein structure and function are either unavailable or do not agree on the potential impact of this missense change (SIFT: "Tolerated"; PolyPhen-2: "Probably Damaging"; Align-GVGD: "Class C0"). In summary, the available evidence is currently insufficient to determine the role of this variant in disease. Therefore, it has been classified as a Variant of Uncertain Significance.